The following is an entry in ClinVar:

NM_004104.5(FASN):c.3373G>A (p.Glu1125Lys)

Gene: FASN (fatty acid synthase; minus strand). Cytogenetic location: 17q25.3.
Variant type: single nucleotide variant.
Coding change: c.3373G>A on transcript NM_004104.5 (MANE Select); coding-DNA position 3373, G replaced by A.
Protein change: p.Glu1125Lys; replaces glutamic acid 1125 with lysine.
Molecular consequence: missense variant.
Genome position (GRCh38, 1-based): chr17:82,087,104, C>T on the plus strand (G>A on the coding strand, the complement: FASN is on the minus strand). VCF-style: chr17-82087104-C-T. GRCh37 (hg19) VCF-style: chr17-80044980-C-T.
Other names: short protein forms E1125K.
Identifiers: ClinVar variation 2009751 (VCV002009751.4), dbSNP rs767295881, ClinGen allele CA8852410.
Genomic context (GRCh38, chr17:82,087,104, plus strand): 5'-CCTCACCCTTGCACAGTTGCAGCTCCTCCTGCAGGGCAGCGCGCTCAGACAGGCACCCCT[C>T]CTCCGTGTGGGGAGTGAAGCAAAACTTCTCCAGGATGGGCACCTGCTGCTCCTGCTGCCG-3'
Protein context (NP_004095.4, residues 1115-1135): EKFCFTPHTE[Glu1125Lys]GCLSERAALQ

ClinVar aggregate classification (germline): Uncertain significance (1 of 4 stars; one submission).

Conditions:
Epileptic encephalopathy. Identifiers: MedGen C0543888, HP:0200134.

Allele frequency attached by ClinVar (database versions not stated): TOPMed below 0.00001; gnomAD exomes 0.00001; ExAC 0.00002.
gnomAD v4.1: 9 of 1,612,044 alleles (0.00056%); highest among the groups gnomAD compares: South Asian, 0.0099%; no homozygotes.

Submission:

Labcorp Genetics (formerly Invitae), Labcorp
Classification: Uncertain significance for Epileptic encephalopathy. Last evaluated: 2022-06-24. Review status: criteria provided, single submitter. Criteria: Invitae Variant Classification Sherloc (09022015). Collection method: clinical testing. Allele origin: germline.
Comment: This sequence change replaces glutamic acid, which is acidic and polar, with lysine, which is basic and polar, at codon 1125 of the FASN protein (p.Glu1125Lys). This variant is present in population databases (rs767295881, gnomAD 0.01%). In summary, the available evidence is currently insufficient to determine the role of this variant in disease. Therefore, it has been classified as a Variant of Uncertain Significance. Algorithms developed to predict the effect of missense changes on protein structure and function (SIFT, PolyPhen-2, Align-GVGD) all suggest that this variant is likely to be tolerated. This variant has not been reported in the literature in individuals affected with FASN-related conditions.